The following is an entry in ClinVar:

ClinVar aggregate classification (germline): Uncertain significance (1 of 4 stars; one submission).

Submission:

GeneDx
Classification: Uncertain significance. Last evaluated: 2024-11-30. Review status: criteria provided, single submitter. Criteria: GeneDx Variant Classification Process June 2021. Collection method: clinical testing. Allele origin: germline. Affected: yes.
Comment: Not observed at significant frequency in large population cohorts (gnomAD); In silico analysis supports that this missense variant has a deleterious effect on protein structure/function; Has not been previously published as pathogenic or benign to our knowledge

NM_006885.4(ZFHX3):c.9087T>G (p.Cys3029Trp)

Genes: ZFHX3 (zinc finger homeobox 3; minus strand), ZFHX3-AS1 (ZFHX3 antisense RNA 1; plus strand). Cytogenetic location: 16q22.2.
Variant type: single nucleotide variant.
Coding change: c.9087T>G on transcript NM_006885.4 (MANE Select); coding-DNA position 9087, T replaced by G.
Protein change: p.Cys3029Trp; replaces cysteine 3029 with tryptophan.
Molecular consequence: missense variant.
Genome position (GRCh38, 1-based): chr16:72,793,595, A>C on the plus strand (T>G on the coding strand, the complement: ZFHX3 is on the minus strand). VCF-style: chr16-72793595-A-C. GRCh37 (hg19) VCF-style: chr16-72827494-A-C.
Other names: c.6345T>G, p.Cys2115Trp (NM_001164766.2); c.9087T>G, p.Cys3029Trp (NM_001386735.1); short protein forms C2115W, C3029W.
Identifiers: ClinVar variation 3900969 (VCV003900969.1).